The following is an entry in ClinVar:

ClinVar aggregate classification (germline): Likely pathogenic (1 of 4 stars; one submission).

Conditions:
Greenberg dysplasia (GRBGD). Also called: HEM SKELETAL DYSPLASIA; MOTH-EATEN SKELETAL DYSPLASIA; CHONDRODYSTROPHY, HYDROPIC AND PRENATALLY LETHAL TYPE. Identifiers: Orphanet 1426, MedGen C2931048, MONDO:0008974, OMIM 215140.

Submission:

Juno Genomics, Hangzhou Juno Genomics, Inc
Classification: Likely pathogenic for Greenberg dysplasia. Review status: criteria provided, single submitter. Criteria: ACMG Guidelines, 2015. Collection method: clinical testing. Allele origin: germline. Affected: yes.
Comment: Absent from controls (or at extremely low frequency if recessive) in Genome Aggregation Database.;Null variant in a gene where loss of function (LOF) is a known mechanism of disease.;For recessive disorders, detected in trans with a pathogenic variant.

NM_002296.4(LBR):c.1687_1687+2del

Gene: LBR (lamin B receptor; minus strand). Cytogenetic location: 1q42.12.
Variant type: Deletion.
Coding change: c.1687_1687+2del on transcript NM_002296.4 (MANE Select); coding-DNA position 1687 through the canonical splice donor site of the intron after coding-DNA position 1687, 3 bases deleted (GGT; older notation c.1687_1687+2delGGT).
Molecular consequence: splice donor variant.
Genome position (GRCh38, 1-based): chr1:225,404,402-225,404,404, ACC deleted on the plus strand (GGT on the coding strand, the reverse complement: LBR is on the minus strand); deleting any 3 consecutive bases within chr1:225,404,402-225,404,406 gives the same sequence; the c. name uses the placement nearest the transcript's 3' end. VCF-style (leftmost placement, unchanged base first): chr1-225404401-TACC-T. GRCh37 (hg19) VCF-style: chr1-225592103-TACC-T.
Other names: c.1687_1687+2del (NM_194442.3).
Identifiers: ClinVar variation 5019135 (VCV005019135.1).